The following is an entry in ClinVar:

NM_031407.7(HUWE1):c.7354G>A (p.Glu2452Lys)

Genes: HUWE1 (HECT, UBA and WWE domain containing E3 ubiquitin protein ligase 1; minus strand), LOC126863262 (MED14-independent group 3 enhancer GRCh37_chrX:53588722-53589921; plus strand). Cytogenetic location: Xp11.22.
Variant type: single nucleotide variant.
Coding change: c.7354G>A on transcript NM_031407.7 (MANE Select); coding-DNA position 7354, G replaced by A.
Protein change: p.Glu2452Lys; replaces glutamic acid 2452 with lysine.
Molecular consequence: missense variant.
Genome position (GRCh38, 1-based): chrX:53,561,909, C>T on the plus strand (G>A on the coding strand, the complement: HUWE1 is on the minus strand). VCF-style: chrX-53561909-C-T. GRCh37 (hg19) VCF-style: chrX-53588870-C-T.
Other names: short protein forms E2452K.
Identifiers: ClinVar variation 1690896 (VCV001690896.2), dbSNP rs2147657371, ClinGen allele CA413159089.

ClinVar aggregate classification (germline): Uncertain significance (1 of 4 stars; one submission).

Submission:

Laboratorio de Genetica e Diagnostico Molecular, Hospital Israelita Albert Einstein
Classification: Uncertain significance. Last evaluated: 2020-06-08. Review status: criteria provided, single submitter. Criteria: ACMG Guidelines, 2015. Collection method: clinical testing. Allele origin: germline. Affected: yes.
Comment: ACMG classification criteria: PM2, BP4